The following is an entry in ClinVar:

NM_001371623.1(TCOF1):c.3674dup (p.Leu1226fs)

Gene: TCOF1 (treacle ribosome biogenesis factor 1; plus strand). Cytogenetic location: 5q32.
Variant type: Duplication.
Coding change: c.3674dup on transcript NM_001371623.1 (MANE Select); coding-DNA position 3674, one base duplicated (A; older notation c.3674dupA).
Protein change: p.Leu1226fs; shifts the reading frame from leucine 1226.
Molecular consequence: frameshift variant.
Genome position (GRCh38, 1-based): chr5:150,393,442, A duplicated; the last of 2 consecutive A bases (chr5:150,393,441-150,393,442); duplicating either gives the same sequence. VCF-style (leftmost placement, unchanged base first): chr5-150393440-C-CA. GRCh37 (hg19) VCF-style: chr5-149773003-C-CA.
Other names: c.3440dup, p.Leu1148fs (NM_000356.4); c.3671dup, p.Leu1225fs (NM_001135243.2); c.3560dup, p.Leu1188fs (NM_001135244.2); c.3443dup, p.Leu1149fs (NM_001135245.2); c.3557dup, p.Leu1187fs (NM_001195141.2); short protein forms L1148fs, L1149fs, L1188fs, L1225fs, L1226fs, L1187fs.
Identifiers: ClinVar variation 2760697 (VCV002760697.3), dbSNP rs2534378234, ClinGen allele CA2697546545.
Genomic context (GRCh38, chr5:150,393,440, plus strand): 5'-CTCAGGTTATATGACCCCTGGACTAACCCCAGCCAATTCCCAGGCCTCAAAAGCCACTCC[C>CA]AAGCTAGACTCCAGCCCCTCAGTTTCCTCTACTCTGGCCGCCAAAGATGACCCAGATGGC-3'

ClinVar aggregate classification (germline): Pathogenic (1 of 4 stars; one submission).

Conditions:
Treacher Collins syndrome 1 (TCS1). Also called: TCOF1-Related Treacher Collins Syndrome. Identifiers: Orphanet 861, MedGen CN315775, MONDO:0007944, OMIM 154500.

Submission:

Labcorp Genetics (formerly Invitae), Labcorp
Classification: Pathogenic for Treacher Collins syndrome 1. Last evaluated: 2023-09-14. Review status: criteria provided, single submitter. Criteria: Invitae Variant Classification Sherloc (09022015). Collection method: clinical testing. Allele origin: germline.
Comment: For these reasons, this variant has been classified as Pathogenic. This variant has not been reported in the literature in individuals affected with TCOF1-related conditions. This variant is not present in population databases (gnomAD no frequency). This sequence change creates a premature translational stop signal (p.Leu1225Alafs*16) in the TCOF1 gene. It is expected to result in an absent or disrupted protein product. Loss-of-function variants in TCOF1 are known to be pathogenic (PMID: 8894686, 22317976).

Literature cited by the submitters: PubMed 8894686; PubMed 22317976.